The following is an entry in ClinVar:

ClinVar aggregate classification (germline): Pathogenic (1 of 4 stars; one submission).

Submission:

GeneDx
Classification: Pathogenic. Last evaluated: 2015-01-19. Review status: criteria provided, single submitter. Criteria: GeneDx Variant Classification (06012015). Collection method: clinical testing. Allele origin: germline. Affected: yes.
Comment: This variant is denoted c.1956_1959delCTCT: p.Ser653ProfsX6 (S653PfsX6) in exon 1 of the PCDH19 gene (NM_001105243.1). The normal sequence with the bases that are deleted in braces is: CTCT{CTCT}GCCT. The c.1956_1959delCTCT mutation in the PCDH19 gene has been reported previously in association with epileptic encephalopathy (Depienne et al., 2012). The deletion causes a frameshift starting with codon Serine 653, changes this amino acid to a Proline residue and creates a premature Stop codon at position 6 of the new reading frame, denoted p.Ser653ProfsX6. This mutation is predicted to cause loss of normal protein function either through protein truncation or nonsense-mediated mRNA decay. Therefore, c.1956_1959delCTCT is considered a pathogenic mutation, and its presence is consistent with a diagnosis of a PCDH19-related disorder. This variant has been seen apparently mosaic. The variant is found in EPILEPSYV2-1 panel(s).

NM_001184880.2(PCDH19):c.1956_1959del (p.Ser653fs)

Gene: PCDH19 (protocadherin 19; minus strand). Cytogenetic location: Xq22.1.
Variant type: Microsatellite.
Coding change: c.1956_1959del on transcript NM_001184880.2 (MANE Select); coding-DNA positions 1956 to 1959, 4 bases deleted (CTCT; older notation c.1956_1959delCTCT).
Protein change: p.Ser653fs; shifts the reading frame from serine 653.
Molecular consequence: frameshift variant.
Genome position (GRCh38, 1-based): chrX:100,406,639-100,406,642, AGAG deleted on the plus strand (CTCT on the coding strand, the reverse complement: PCDH19 is on the minus strand); deleting any 4 consecutive bases within chrX:100,406,639-100,406,647 gives the same sequence; the c. name uses the placement nearest the transcript's 3' end. VCF-style (leftmost placement, unchanged base first): chrX-100406638-CAGAG-C. GRCh37 (hg19) VCF-style: chrX-99661636-CAGAG-C.
Other names: c.1956_1959del, p.Ser653fs (NM_001105243.2, NM_020766.3); short protein forms S653fs.
Identifiers: ClinVar variation 206369 (VCV000206369.1), dbSNP rs796052835, ClinGen allele CA316428.